The following is an entry in ClinVar:

NM_000625.4(NOS2):c.3291G>A (p.Gln1097=)

Gene: NOS2 (nitric oxide synthase 2; minus strand). Cytogenetic location: 17q11.2.
Variant type: single nucleotide variant.
Coding change: c.3291G>A on transcript NM_000625.4 (MANE Select); coding-DNA position 3291, G replaced by A.
Protein change: p.Gln1097=; no amino-acid change (glutamine 1097 retained).
Molecular consequence: synonymous variant.
Genome position (GRCh38, 1-based): chr17:27,758,944, C>T on the plus strand (G>A on the coding strand, the complement: NOS2 is on the minus strand). VCF-style: chr17-27758944-C-T. GRCh37 (hg19) VCF-style: chr17-26085970-C-T.
Identifiers: ClinVar variation 3047104 (VCV003047104.2), dbSNP rs750641734, ClinGen allele CA8454130.

ClinVar aggregate classification (germline): Likely benign (0 of 4 stars; one submission).

Conditions:
NOS2-related disorder. Also called: NOS2-related condition.

Allele frequency attached by ClinVar (database versions not stated): ExAC 0.00001; gnomAD exomes 0.00001.
gnomAD v4.1: 18 of 1,612,068 alleles (0.0011%); highest among the groups gnomAD compares: African/African-American, 0.0053%; no homozygotes.

Submission:

PreventionGenetics, part of Exact Sciences
Classification: Likely benign for NOS2-related condition. Last evaluated: 2019-02-28. Review status: no assertion criteria provided. Collection method: clinical testing. Allele origin: germline.
Comment: This variant is classified as likely benign based on ACMG/AMP sequence variant interpretation guidelines (Richards et al. 2015 PMID: 25741868, with internal and published modifications).